The following is an entry in ClinVar:

NM_144599.5(NIPA1):c.642A>C (p.Gln214His)

Gene: NIPA1 (NIPA magnesium transporter 1; plus strand). Cytogenetic location: 15q11.2.
Variant type: single nucleotide variant.
Coding change: c.642A>C on transcript NM_144599.5 (MANE Select); coding-DNA position 642, A replaced by C.
Protein change: p.Gln214His; replaces glutamine 214 with histidine.
Molecular consequence: missense variant.
Genome position (GRCh38, 1-based): chr15:22,823,891, A>C. VCF-style: chr15-22823891-A-C. GRCh37 (hg19) VCF-style: chr15-23049177-T-G.
Other names: c.417A>C, p.Gln139His (NM_001142275.1); short protein forms Q139H, Q214H.
Identifiers: ClinVar variation 1372913 (VCV001372913.6), dbSNP rs1240373706, ClinGen allele CA391303851.

ClinVar aggregate classification (germline): Uncertain significance (1 of 4 stars; one submission).

Conditions:
Hereditary spastic paraplegia 6 (SPG6). Also called: SPASTIC PARAPLEGIA 6, AUTOSOMAL DOMINANT. Identifiers: Orphanet 100988, MedGen C1838192, MONDO:0010878, OMIM 600363.

gnomAD v4.1: 6 of 1,614,200 alleles (0.00037%); highest among the groups gnomAD compares: Non-Finnish European, 0.00051%; no homozygotes.

Submission:

Labcorp Genetics (formerly Invitae), Labcorp
Classification: Uncertain significance for Hereditary spastic paraplegia 6. Last evaluated: 2021-09-24. Review status: criteria provided, single submitter. Criteria: Invitae Variant Classification Sherloc (09022015). Collection method: clinical testing. Allele origin: germline.
Comment: This sequence change replaces glutamine with histidine at codon 214 of the NIPA1 protein (p.Gln214His). The glutamine residue is moderately conserved and there is a small physicochemical difference between glutamine and histidine. In summary, the available evidence is currently insufficient to determine the role of this variant in disease. Therefore, it has been classified as a Variant of Uncertain Significance. Algorithms developed to predict the effect of missense changes on protein structure and function (SIFT, PolyPhen-2, Align-GVGD) all suggest that this variant is likely to be tolerated. This missense change has been observed in individual(s) with features of hereditary spastic paraplegia (Invitae). This variant is not present in population databases (ExAC no frequency).